The following is an entry in ClinVar:

NM_006277.3(ITSN2):c.2071G>A (p.Glu691Lys)

Gene: ITSN2 (intersectin 2; minus strand). Cytogenetic location: 2p23.3.
Variant type: single nucleotide variant.
Coding change: c.2071G>A on transcript NM_006277.3 (MANE Select); coding-DNA position 2071, G replaced by A.
Protein change: p.Glu691Lys; replaces glutamic acid 691 with lysine.
Molecular consequence: missense variant.
Genome position (GRCh38, 1-based): chr2:24,275,723, C>T on the plus strand (G>A on the coding strand, the complement: ITSN2 is on the minus strand). VCF-style: chr2-24275723-C-T. GRCh37 (hg19) VCF-style: chr2-24498592-C-T.
Other names: c.1990G>A, p.Glu664Lys (NM_019595.4, NM_001348182.2, NM_001348183.2 and 1 more transcripts); c.2071G>A, p.Glu691Lys (NM_147152.3, NM_001348185.2); c.2029G>A, p.Glu677Lys (NM_001348181.2); c.1948G>A, p.Glu650Lys (NM_001348184.2); short protein forms E664K, E677K, E691K, E650K.
Identifiers: ClinVar variation 2811509 (VCV002811509.3), dbSNP rs745948518, ClinGen allele CA1551303.
Genomic context (GRCh38, chr2:24,275,723, plus strand): 5'-ATTACAATTCTAATGGCAATATAGCACAATAAATATATCAGCTATATTACCTTGCAGCCT[C>T]ATCTTCTAGTTTCTTTTTCTGCATTAGTTCTAATCTTTTCCTTTCAATTTCCTTCAACTT-3'
Protein context (NP_006268.2, residues 681-701): ELMQKKKLED[Glu691Lys]AARKAKQGKE

ClinVar aggregate classification (germline): Uncertain significance (1 of 4 stars; one submission).

Allele frequency attached by ClinVar (database versions not stated): gnomAD exomes below 0.00001; ExAC 0.00001.
gnomAD v4.1: 2 of 1,609,100 alleles (0.00012%); highest among the groups gnomAD compares: East Asian, 0.0022%; no homozygotes.

Submission:

Labcorp Genetics (formerly Invitae), Labcorp
Classification: Uncertain significance. Last evaluated: 2023-04-12. Review status: criteria provided, single submitter. Criteria: Invitae Variant Classification Sherloc (09022015). Collection method: clinical testing. Allele origin: germline.
Comment: This sequence change replaces glutamic acid, which is acidic and polar, with lysine, which is basic and polar, at codon 691 of the ITSN2 protein (p.Glu691Lys). This variant is present in population databases (rs745948518, gnomAD 0.01%). This variant has not been reported in the literature in individuals affected with ITSN2-related conditions. Experimental studies and prediction algorithms are not available or were not evaluated, and the functional significance of this variant is currently unknown. In summary, the available evidence is currently insufficient to determine the role of this variant in disease. Therefore, it has been classified as a Variant of Uncertain Significance.